The following is an entry in ClinVar:

ClinVar aggregate classification (germline): Uncertain significance. Review status: criteria provided, multiple submitters, no conflicts (2 of 4 stars). 2 submissions from 2 submitters: Uncertain significance (2). Last evaluated 2024-04-22.

Conditions:
DICER1-related tumor predisposition. Also called: DICER1-related pleuropulmonary blastoma cancer predisposition syndrome; DICER1 syndrome. Identifiers: Orphanet 284343, MedGen C3839822, MONDO:0100216.
Hereditary cancer-predisposing syndrome. Also called: Hereditary Cancer Syndrome; Tumor predisposition; Neoplastic Syndromes, Hereditary; Hereditary neoplastic syndrome. Identifiers: Orphanet 140162, MedGen C0027672, MeSH D009386, MONDO:0015356.

Submissions (2):

Labcorp Genetics (formerly Invitae), Labcorp
Classification: Uncertain significance for DICER1-related tumor predisposition. Last evaluated: 2024-04-22. Review status: criteria provided, single submitter. Criteria: Invitae Variant Classification Sherloc (09022015). Collection method: clinical testing. Allele origin: germline.
Comment: This sequence change replaces lysine, which is basic and polar, with glutamine, which is neutral and polar, at codon 1589 of the DICER1 protein (p.Lys1589Gln). This variant is not present in population databases (gnomAD no frequency). This variant has not been reported in the literature in individuals affected with DICER1-related conditions. ClinVar contains an entry for this variant (Variation ID: 652740). Advanced modeling of protein sequence and biophysical properties (such as structural, functional, and spatial information, amino acid conservation, physicochemical variation, residue mobility, and thermodynamic stability) performed at Invitae indicates that this missense variant is not expected to disrupt DICER1 protein function with a negative predictive value of 80%. In summary, the available evidence is currently insufficient to determine the role of this variant in disease. Therefore, it has been classified as a Variant of Uncertain Significance.

Ambry Genetics
Classification: Uncertain significance for Hereditary cancer-predisposing syndrome. Last evaluated: 2023-01-15. Review status: criteria provided, single submitter. Criteria: Ambry Variant Classification Scheme 2023. Collection method: clinical testing. Allele origin: germline.
Comment: The p.K1589Q variant (also known as c.4765A>C), located in coding exon 22 of the DICER1 gene, results from an A to C substitution at nucleotide position 4765. The lysine at codon 1589 is replaced by glutamine, an amino acid with similar properties. This amino acid position is conserved. In addition, the in silico prediction for this alteration is inconclusive. Since supporting evidence is limited at this time, the clinical significance of this alteration remains unclear.

NM_177438.3(DICER1):c.4765A>C (p.Lys1589Gln)

Gene: DICER1 (dicer 1, ribonuclease III; minus strand). Cytogenetic location: 14q32.13.
Variant type: single nucleotide variant.
Coding change: c.4765A>C on transcript NM_177438.3 (MANE Select); coding-DNA position 4765, A replaced by C.
Protein change: p.Lys1589Gln; replaces lysine 1589 with glutamine.
Molecular consequence: missense variant.
Genome position (GRCh38, 1-based): chr14:95,096,155, T>G on the plus strand (A>C on the coding strand, the complement: DICER1 is on the minus strand). VCF-style: chr14-95096155-T-G. GRCh37 (hg19) VCF-style: chr14-95562492-T-G.
Other names: c.4765A>C, p.Lys1589Gln (NM_001195573.1, NM_001271282.3, NM_001291628.2 and 1 more transcripts); short protein forms K1589Q.
Identifiers: ClinVar variation 652740 (VCV000652740.11), dbSNP rs1595339665, ClinGen allele CA390867262.